The following is an entry in ClinVar:

NM_003002.4(SDHD):c.314+1G>T

Gene: SDHD (succinate dehydrogenase complex subunit D; plus strand). Cytogenetic location: 11q23.1.
Variant type: single nucleotide variant.
Coding change: c.314+1G>T on transcript NM_003002.4 (MANE Select); the canonical splice donor site of the intron after coding-DNA position 314, G replaced by T.
Molecular consequence: splice donor variant. On other transcripts: intron variant (1).
Genome position (GRCh38, 1-based): chr11:112,089,012, G>T. VCF-style: chr11-112089012-G-T. GRCh37 (hg19) VCF-style: chr11-111959736-G-T.
Other names: c.314+1G>T (NM_001276506.2); c.169+1039G>T (NM_001276503.2); c.197+1G>T (NM_001276504.2).
Identifiers: ClinVar variation 480808 (VCV000480808.16), dbSNP rs1555187083, ClinGen allele CA382617440.

ClinVar aggregate classification (germline): Pathogenic. Review status: criteria provided, multiple submitters, no conflicts (2 of 4 stars). 2 submissions from 2 submitters: Pathogenic (2). Last evaluated 2024-05-22.

Conditions:
Hereditary cancer-predisposing syndrome. Also called: Hereditary Cancer Syndrome; Neoplastic Syndromes, Hereditary; Tumor predisposition; Hereditary neoplastic syndrome. Identifiers: Orphanet 140162, MedGen C0027672, MeSH D009386, MONDO:0015356.
Pheochromocytoma. Also called: MAX-Related Hereditary Paraganglioma-Pheochromocytoma Syndrome. Identifiers: Orphanet 29072, MedGen C0031511, MONDO:0008233, OMIM 171300, HP:0002666.
Carney-Stratakis syndrome. Also called: PARAGANGLIOMA AND GASTROINTESTINAL STROMAL TUMOR. Identifiers: Orphanet 97286, MedGen C1847319, MONDO:0011740, OMIM 606864.
Paragangliomas with sensorineural hearing loss. Identifiers: MedGen C1868633.
Cowden syndrome 3 (CWS3). Identifiers: Orphanet 201, MedGen CN166604, MONDO:0014045.

Submissions (2):

Labcorp Genetics (formerly Invitae), Labcorp
Classification: Pathogenic for Carney-Stratakis syndrome; Paragangliomas with sensorineural hearing loss; Pheochromocytoma; Cowden syndrome 3. Last evaluated: 2024-05-22. Review status: criteria provided, single submitter. Criteria: Invitae Variant Classification Sherloc (09022015). Collection method: clinical testing. Allele origin: germline.
Comment: This sequence change affects a donor splice site in intron 3 of the SDHD gene. While this variant is not anticipated to result in nonsense mediated decay, it likely alters RNA splicing and results in a disrupted protein product. This variant is not present in population databases (gnomAD no frequency). Disruption of this splice site has been observed in individuals with paraganglioma-pheochromocytoma syndromes (PMID: 16317055, 18551016; Invitae). ClinVar contains an entry for this variant (Variation ID: 480808). Variants that disrupt the consensus splice site are a relatively common cause of aberrant splicing (PMID: 17576681, 9536098). Algorithms developed to predict the effect of sequence changes on RNA splicing suggest that this variant may disrupt the consensus splice site. This variant disrupts a region of the SDHD protein in which other variant(s) (p.Gly138Arg) have been determined to be pathogenic (PMID: 29875428, 31492822; Invitae). This suggests that this is a clinically significant region of the protein, and that variants that disrupt it are likely to be disease-causing. For these reasons, this variant has been classified as Pathogenic.

Ambry Genetics
Classification: Pathogenic for Hereditary cancer-predisposing syndrome. Last evaluated: 2022-05-26. Review status: criteria provided, single submitter. Criteria: Ambry Variant Classification Scheme 2023. Collection method: clinical testing. Allele origin: germline.
Comment: The c.314+1G>T intronic pathogenic mutation results from a G to T substitution one nucleotide after coding exon 3 of the SDHD gene. Different alterations at the same nucleotide position (c.314+1G>A and c.314+1G>C) have also been reported in individuals with paragangliomas (Benn DE et al. J. Clin. Endocrinol. Metab. 2006 Mar;91:827-36; Persu A et al. J. Hypertens. 2008 Jul;26:1395-401). This variant is considered to be rare based on population cohorts in the Genome Aggregation Database (gnomAD). This nucleotide position is highly conserved in available vertebrate species. In silico splice site analysis predicts that this alteration will weaken the native splice donor site. In addition to the clinical data presented in the literature, alterations that disrupt the canonical splice site are expected to cause aberrant splicing, resulting in an abnormal protein or a transcript that is subject to nonsense-mediated mRNA decay. As such, this alteration is classified as a disease-causing mutation.

Literature cited by the submitters: PubMed 16317055 (cited by Labcorp Genetics (formerly Invitae), Labcorp and Ambry Genetics); PubMed 18551016 (cited by Labcorp Genetics (formerly Invitae), Labcorp and Ambry Genetics); PubMed 17576681 (cited by Labcorp Genetics (formerly Invitae), Labcorp); PubMed 9536098 (cited by Labcorp Genetics (formerly Invitae), Labcorp); PubMed 29875428 (cited by Labcorp Genetics (formerly Invitae), Labcorp); PubMed 31492822 (cited by Labcorp Genetics (formerly Invitae), Labcorp).